The following is an entry in ClinVar:

ClinVar aggregate classification (germline): Conflicting classifications of pathogenicity. Review status: criteria provided, conflicting classifications (1 of 4 stars). 2 submissions from 2 submitters: Uncertain significance (1); Benign (1). Last evaluated 2022-06-01.

Conditions:
Spinocerebellar ataxia type 27 (SCA27). Identifiers: Orphanet 98764, MedGen C1836383, MONDO:0012247.

Allele frequency attached by ClinVar (database versions not stated): TOPMed 0.00168; gnomAD 0.00194 and 0.00200; gnomAD exomes 0.00249.
gnomAD v4.1: 648 of 294,174 alleles (0.22%); highest among the groups gnomAD compares: Non-Finnish European, 0.36%; 3 homozygotes.

Submissions (2):

CeGaT Center for Human Genetics Tuebingen
Classification: Benign. Last evaluated: 2022-06-01. Review status: criteria provided, single submitter. Criteria: CeGaT Center For Human Genetics Tuebingen Variant Classification Criteria Version 2. Collection method: clinical testing. Allele origin: germline. Affected: yes. Observed: 1 variant allele.
Comment: FGF14: BS1, BS2

Illumina Laboratory Services, Illumina
Classification: Uncertain significance for Spinocerebellar ataxia 27A. Last evaluated: 2018-01-13. Review status: criteria provided, single submitter. Criteria: ICSL Variant Classification Criteria 13 December 2019. Collection method: clinical testing. Allele origin: germline.

NM_004115.4(FGF14):c.*414T>C

Gene: FGF14 (fibroblast growth factor 14; minus strand). Cytogenetic location: 13q33.1.
Variant type: single nucleotide variant.
Coding change: c.*414T>C on transcript NM_004115.4 (MANE Select); 414 bases downstream of the stop codon, T replaced by C.
Molecular consequence: 3 prime UTR variant.
Genome position (GRCh38, 1-based): chr13:101,722,417, A>G on the plus strand (T>C on the coding strand, the complement: FGF14 is on the minus strand). VCF-style: chr13-101722417-A-G. GRCh37 (hg19) VCF-style: chr13-102374767-A-G.
Other names: c.*414T>C (NM_001321931.1, NM_001321932.1, NM_001321933.1 and 17 more transcripts).
Identifiers: ClinVar variation 310888 (VCV000310888.29), dbSNP rs557390242, ClinGen allele CA10642706.